The following is an entry in ClinVar:

ClinVar aggregate classification (germline): Uncertain significance (1 of 4 stars; one submission).

Conditions:
Congenital contractural arachnodactyly (CCA). Also called: BEALS SYNDROME; Arthrogryposis, distal, type 9; Beals-Hecht syndrome. Identifiers: Orphanet 115, MedGen C0220668, MONDO:0007363, OMIM 121050.

Submission:

Labcorp Genetics (formerly Invitae), Labcorp
Classification: Uncertain significance for Congenital contractural arachnodactyly. Last evaluated: 2025-06-17. Review status: criteria provided, single submitter. Criteria: Invitae Variant Classification Sherloc (09022015). Collection method: clinical testing. Allele origin: germline.
Comment: This sequence change replaces cysteine, which is neutral and slightly polar, with glycine, which is neutral and non-polar, at codon 2678 of the FBN2 protein (p.Cys2678Gly). This variant is not present in population databases (gnomAD no frequency). This variant has not been reported in the literature in individuals affected with FBN2-related conditions. Invitae Evidence Modeling of protein sequence and biophysical properties (such as structural, functional, and spatial information, amino acid conservation, physicochemical variation, residue mobility, and thermodynamic stability) indicates that this missense variant is expected to disrupt FBN2 protein function with a positive predictive value of 80%. In summary, the available evidence is currently insufficient to determine the role of this variant in disease. Therefore, it has been classified as a Variant of Uncertain Significance.

NM_001999.4(FBN2):c.8032T>G (p.Cys2678Gly)

Gene: FBN2 (fibrillin 2; minus strand). Cytogenetic location: 5q23.3.
Variant type: single nucleotide variant.
Coding change: c.8032T>G on transcript NM_001999.4 (MANE Select); coding-DNA position 8032, T replaced by G.
Protein change: p.Cys2678Gly; replaces cysteine 2678 with glycine.
Molecular consequence: missense variant.
Genome position (GRCh38, 1-based): chr5:128,263,585, A>C on the plus strand (T>G on the coding strand, the complement: FBN2 is on the minus strand). VCF-style: chr5-128263585-A-C. GRCh37 (hg19) VCF-style: chr5-127599277-A-C.
Other names: short protein forms C2678G.
Identifiers: ClinVar variation 4743907 (VCV004743907.1).